The following is an entry in ClinVar:

ClinVar aggregate classification (germline): Benign/Likely benign. Review status: criteria provided, multiple submitters, no conflicts (2 of 4 stars). 4 submissions from 4 submitters: Benign (1); Likely benign (3). Last evaluated 2025-12-17.

Conditions:
Congenital muscular dystrophy due to integrin alpha-7 deficiency. Also called: MYOPATHY, CONGENITAL, DUE TO INTEGRIN ALPHA-7 DEFICIENCY; Muscular dystrophy, congenital, due to ITGA7 deficiency; Congenital muscular dystrophy with integrin alpha-7 deficiency. Identifiers: Orphanet 34520, MedGen C2750786, MONDO:0013177, OMIM 613204.
ITGA7-related disorder. Also called: ITGA7-related condition.

Allele frequency attached by ClinVar (database versions not stated): gnomAD exomes 0.00012 and 0.00034; ExAC 0.00044; TOPMed 0.00129; gnomAD 0.00130 and 0.00135; ESP Exome Variant Server 0.00138; 1000 Genomes Project 0.00200; 1000 Genomes Project 30x 0.00203.
gnomAD v4.1: 382 of 1,614,164 alleles (0.024%); highest among the groups gnomAD compares: African/African-American, 0.46%; 1 homozygote.

Submissions (4):

Labcorp Genetics (formerly Invitae), Labcorp
Classification: Benign for Congenital muscular dystrophy due to integrin alpha-7 deficiency. Last evaluated: 2025-12-17. Review status: criteria provided, single submitter. Criteria: Invitae Variant Classification Sherloc (09022015). Collection method: clinical testing. Allele origin: germline.

PreventionGenetics, part of Exact Sciences
Classification: Likely benign for ITGA7-related condition. Last evaluated: 2025-08-11. Review status: criteria provided, single submitter. Criteria: ACMG Guidelines, 2015. Collection method: clinical testing. Allele origin: germline.
Comment: This variant is classified as likely benign based on ACMG/AMP sequence variant interpretation guidelines (Richards et al. 2015 PMID: 25741868, with internal and published modifications).

GeneDx
Classification: Likely benign. Last evaluated: 2016-05-25. Review status: criteria provided, single submitter. Criteria: GeneDx Variant Classification (06012015). Collection method: clinical testing. Allele origin: germline. Affected: yes.
Comment: This variant is considered likely benign or benign based on one or more of the following criteria: it is a conservative change, it occurs at a poorly conserved position in the protein, it is predicted to be benign by multiple in silico algorithms, and/or has population frequency not consistent with disease.

Eurofins Ntd Llc (ga)
Classification: Likely benign. Last evaluated: 2016-03-01. Review status: criteria provided, single submitter. Criteria: EGL Classification Definitions 2015. Collection method: clinical testing. Allele origin: germline. Observed: 1 variant allele, 1 heterozygote.

NM_002206.3(ITGA7):c.3150G>T (p.Leu1050=)

Gene: ITGA7 (integrin subunit alpha 7; minus strand). Cytogenetic location: 12q13.2.
Variant type: single nucleotide variant.
Coding change: c.3150G>T on transcript NM_002206.3 (MANE Select); coding-DNA position 3150, G replaced by T.
Protein change: p.Leu1050=; no amino-acid change (leucine 1050 retained).
Molecular consequence: synonymous variant.
Genome position (GRCh38, 1-based): chr12:55,688,004, C>A on the plus strand (G>T on the coding strand, the complement: ITGA7 is on the minus strand). VCF-style: chr12-55688004-C-A. GRCh37 (hg19) VCF-style: chr12-56081788-C-A.
Other names: c.3162G>T, p.Leu1054= (NM_001144996.2); c.2871G>T, p.Leu957= (NM_001144997.2); c.2823G>T, p.Leu941= (NM_001367993.1); c.1806G>T, p.Leu602= (NM_001367994.1); c.3132G>T, p.Leu1044= (NM_001374465.1); c.3282G>T, p.Leu1094= (NM_001410977.1); c.3144G>T, p.Leu1048= (NM_001414029.1); c.3075G>T, p.Leu1025= (NM_001414030.1); and 5 more.
Identifiers: ClinVar variation 286339 (VCV000286339.19), dbSNP rs114735704, ClinGen allele CA6615331.
Genomic context (GRCh38, chr12:55,688,004, plus strand): 5'-CCCATCAGCCCCACCTCCAAGCCTCACCTTCCACAGGAGCAGCACCAGCAGTGCTAGCAC[C>A]AGCAGCCCAGCCAGTACAGCCAGGAGGATGACCCACCAGGGCACTCCTTCTGCCACCACA-3'
Protein context (NP_002197.2, residues 1040-1060): VILLAVLAGL[Leu1050=]VLALLVLLLW